The following is an entry in ClinVar:

ClinVar aggregate classification (germline): Uncertain significance. Review status: criteria provided, multiple submitters, no conflicts (2 of 4 stars). 2 submissions from 2 submitters: Uncertain significance (2). Last evaluated 2025-04-03.

Conditions:
Inborn genetic diseases. Identifiers: MedGen C0950123, MeSH D030342.
Leukocyte adhesion deficiency type II. Also called: CDG IIc; CONGENITAL DISORDER OF GLYCOSYLATION, TYPE IIc; Congenital disorder of glycosylation type 2C; CDG 2C; Leukocyte adhesion deficiency type 2; Rambam Hasharon syndrome. Identifiers: Orphanet 2968, Orphanet 99843, MedGen C0398739, MONDO:0009953, OMIM 266265.

Allele frequency attached by ClinVar (database versions not stated): gnomAD exomes 0.00001 and 0.00002; ExAC 0.00002; gnomAD 0.00003 and 0.00004; TOPMed 0.00003.
gnomAD v4.1: 16 of 1,612,786 alleles (0.00099%); highest among the groups gnomAD compares: African/African-American, 0.019%; no homozygotes.

Submissions (2):

Ambry Genetics
Classification: Uncertain significance for Inborn genetic diseases. Last evaluated: 2025-04-03. Review status: criteria provided, single submitter. Criteria: Ambry Variant Classification Scheme 2023. Collection method: clinical testing. Allele origin: germline.

Labcorp Genetics (formerly Invitae), Labcorp
Classification: Uncertain significance for Leukocyte adhesion deficiency type II. Last evaluated: 2022-07-12. Review status: criteria provided, single submitter. Criteria: Invitae Variant Classification Sherloc (09022015). Collection method: clinical testing. Allele origin: germline.
Comment: This sequence change replaces leucine, which is neutral and non-polar, with valine, which is neutral and non-polar, at codon 252 of the SLC35C1 protein (p.Leu252Val). This variant is present in population databases (rs765414779, gnomAD 0.02%). This variant has not been reported in the literature in individuals affected with SLC35C1-related conditions. ClinVar contains an entry for this variant (Variation ID: 648641). Algorithms developed to predict the effect of missense changes on protein structure and function (SIFT, PolyPhen-2, Align-GVGD) all suggest that this variant is likely to be tolerated. In summary, the available evidence is currently insufficient to determine the role of this variant in disease. Therefore, it has been classified as a Variant of Uncertain Significance.

NM_018389.5(SLC35C1):c.754C>G (p.Leu252Val)

Gene: SLC35C1 (solute carrier family 35 member C1; plus strand). Cytogenetic location: 11p11.2.
Variant type: single nucleotide variant.
Coding change: c.754C>G on transcript NM_018389.5 (MANE Select); coding-DNA position 754, C replaced by G.
Protein change: p.Leu252Val; replaces leucine 252 with valine.
Molecular consequence: missense variant.
Genome position (GRCh38, 1-based): chr11:45,810,994, C>G. VCF-style: chr11-45810994-C-G. GRCh37 (hg19) VCF-style: chr11-45832545-C-G.
Other names: c.715C>G, p.Leu239Val (NM_001145265.2, NM_001145266.2); short protein forms L252V, L239V.
Identifiers: ClinVar variation 648641 (VCV000648641.6), dbSNP rs765414779, ClinGen allele CA5958327.
Genomic context (GRCh38, chr11:45,810,994, plus strand): 5'-TTCTACAACAACGTCAACGCCTGCATCCTCTTCCTGCCCCTGCTCCTGCTGCTCGGGGAG[C>G]TTCAGGCCCTGCGTGACTTTGCCCAGCTGGGCAGTGCCCACTTCTGGGGGATGATGACGC-3'
Protein context (NP_060859.4, residues 242-262): FLPLLLLLGE[Leu252Val]QALRDFAQLG